The following is an entry in ClinVar:

NM_001625.4(AK2):c.698_703delinsGACTCATAAACATAAACATAAACTCA (p.Lys233fs)

Gene: AK2 (adenylate kinase 2; minus strand). Cytogenetic location: 1p35.1.
Variant type: Indel.
Coding change: c.698_703delinsGACTCATAAACATAAACATAAACTCA on transcript NM_001625.4 (MANE Select); coding-DNA positions 698 to 703, AAGACT replaced by GACTCATAAACATAAACATAAACTCA.
Protein change: p.Lys233fs; shifts the reading frame from lysine 233.
Molecular consequence: frameshift variant. On other transcripts: 3 prime UTR variant (1), intron variant (5).
Genome position (GRCh38, 1-based): chr1:33,013,198-33,013,203, AGTCTT replaced by TGAGTTTATGTTTATGTTTATGAGTC on the plus strand (AAGACT replaced by GACTCATAAACATAAACATAAACTCA on the coding strand, the reverse complement: AK2 is on the minus strand). VCF-style: chr1-33013198-AGTCTT-TGAGTTTATGTTTATGTTTATGAGTC. GRCh37 (hg19) VCF-style: chr1-33478799-AGTCTT-TGAGTTTATGTTTATGTTTATGAGTC.
Other names: c.554_559delinsGACTCATAAACATAAACATAAACTCA, p.Lys185fs (NM_001319140.2); c.*201_*206delinsGACTCATAAACATAAACATAAACTCA (NM_001319143.2); c.694+4_694+9delinsGACTCATAAACATAAACATAAACTCA (NM_013411.5, NM_001319141.3); c.568+4_568+9delinsGACTCATAAACATAAACATAAACTCA (NM_001319142.3); c.670+4_670+9delinsGACTCATAAACATAAACATAAACTCA (NM_001199199.3); c.550+4_550+9delinsGACTCATAAACATAAACATAAACTCA (NM_001319139.3); short protein forms K185fs, K233fs.
Identifiers: ClinVar variation 3279821 (VCV003279821.1).

ClinVar aggregate classification (germline): Uncertain significance (1 of 4 stars; one submission).

Conditions:
Inborn genetic diseases. Identifiers: MedGen C0950123, MeSH D030342.

Submission:

Ambry Genetics
Classification: Uncertain significance for Inborn genetic diseases. Last evaluated: 2024-03-15. Review status: criteria provided, single submitter. Criteria: Ambry Variant Classification Scheme 2023. Collection method: clinical testing. Allele origin: germline.
Comment: The c.698_703delinsGACTCATAAACATAAACATAAACTCA (p.K233Rfs*59) alteration, located in exon 6 (coding exon 6) of the AK2 gene, consists of a deletion of 6 and insertion of 26 nucleotides causing a translational frameshift at position 698 with a predicted alternate stop codon after 59 amino acids. This alteration occurs at the 3' terminus of the AK2 gene, is not expected to trigger nonsense-mediated mRNA decay and results in the elongation of the protein by 51 amino acids. This frameshift impacts the last 7 (2.9%) amino acids of the native protein. The exact functional effect of the altered amino acids is unknown. This variant was not reported in population-based cohorts in the Genome Aggregation Database (gnomAD). Based on insufficient or conflicting evidence, the clinical significance of this alteration remains unclear.